The following is an entry in ClinVar:

ClinVar aggregate classification (germline): Benign/Likely benign. Review status: criteria provided, multiple submitters, no conflicts (2 of 4 stars). 6 submissions from 6 submitters: Benign (3); Likely benign (1). 2 of the submissions do not count toward it. Last evaluated 2026-01-06.

Conditions:
Early-infantile DEE. Also called: Ohtahara syndrome; Early infantile epileptic encephalopathy; Early infantile epileptic encephalopathy with suppression bursts. Identifiers: Orphanet 1934, MedGen C0393706, MONDO:0800491.

Allele frequency attached by ClinVar (database versions not stated): 1000 Genomes Project 30x 0.00016; 1000 Genomes Project 0.00020; gnomAD 0.00034 and 0.00036; TOPMed 0.00035; ESP Exome Variant Server 0.00038; ExAC 0.00047; gnomAD exomes 0.00049 and 0.00054.
gnomAD v4.1: 840 of 1,608,132 alleles (0.052%); highest among the groups gnomAD compares: Middle Eastern, 0.15%; no homozygotes.

Submissions (6):

Labcorp Genetics (formerly Invitae), Labcorp
Classification: Benign for Early-infantile DEE. Last evaluated: 2026-01-06. Review status: criteria provided, single submitter. Criteria: Invitae Variant Classification Sherloc (09022015). Collection method: clinical testing. Allele origin: germline.

Blueprint Genetics
Classification: Likely benign. Last evaluated: 2024-10-24. Review status: criteria provided, single submitter. Criteria: ACMG Guidelines, 2015. Collection method: clinical testing. Allele origin: germline.

GeneDx
Classification: Benign. Last evaluated: 2013-05-30. Review status: criteria provided, single submitter. Criteria: GeneDx Variant Classification (06012015). Collection method: clinical testing. Allele origin: germline. Affected: yes.
Comment: This variant is considered likely benign or benign based on one or more of the following criteria: it is a conservative change, it occurs at a poorly conserved position in the protein, it is predicted to be benign by multiple in silico algorithms, and/or has population frequency not consistent with disease.

Breakthrough Genomics
Classification: Benign. Review status: criteria provided, single submitter. Criteria: ACMG Guidelines, 2015. Collection method: not provided. Allele origin: germline. Inheritance: Autosomal dominant inheritance. Affected: yes.

Diagnostic Laboratory, Department of Genetics, University Medical Center Groningen
Classification: Likely benign. Review status: no assertion criteria provided. Collection method: clinical testing. Allele origin: germline. Affected: yes. Study: VKGL Data-share Consensus. Not counted in ClinVar's aggregate classification.

Genome Diagnostics Laboratory, University Medical Center Utrecht
Classification: Likely benign. Review status: no assertion criteria provided. Collection method: clinical testing. Allele origin: germline. Affected: yes. Study: VKGL Data-share Consensus. Not counted in ClinVar's aggregate classification.

NM_172107.4(KCNQ2):c.297-18C>T

Gene: KCNQ2 (potassium voltage-gated channel subfamily Q member 2; minus strand). Cytogenetic location: 20q13.33.
Variant type: single nucleotide variant.
Coding change: c.297-18C>T on transcript NM_172107.4 (MANE Select); 18 bases into the intron before coding-DNA position 297, C replaced by T.
Molecular consequence: intron variant.
Genome position (GRCh38, 1-based): chr20:63,446,855, G>A on the plus strand (C>T on the coding strand, the complement: KCNQ2 is on the minus strand). VCF-style: chr20-63446855-G-A. GRCh37 (hg19) VCF-style: chr20-62078208-G-A.
Other names: c.297-18C>T (NM_004518.6, NM_172108.5, NM_172106.3 and 1 more transcripts).
Identifiers: ClinVar variation 138013 (VCV000138013.16), dbSNP rs370109710, ClinGen allele CA291780.